The following is an entry in ClinVar:

ClinVar aggregate classification (germline): Uncertain significance. Review status: criteria provided, multiple submitters, no conflicts (2 of 4 stars). 3 submissions from 3 submitters: Uncertain significance (3). Last evaluated 2025-09-19.

Conditions:
Hereditary cancer-predisposing syndrome. Also called: Neoplastic Syndromes, Hereditary; Tumor predisposition; Hereditary Cancer Syndrome; Hereditary neoplastic syndrome. Identifiers: Orphanet 140162, MedGen C0027672, MeSH D009386, MONDO:0015356.
Familial adenomatous polyposis 1 (FAP1). Also called: POLYPOSIS, ADENOMATOUS INTESTINAL; FAMILIAL ADENOMATOUS POLYPOSIS 1, ATTENUATED. Identifiers: MedGen C2713442, MONDO:0021056, OMIM 175100. Disease mechanism: loss of function.

Submissions (3):

Ambry Genetics
Classification: Uncertain significance for Hereditary cancer-predisposing syndrome. Last evaluated: 2025-09-19. Review status: criteria provided, single submitter. Criteria: Ambry Variant Classification Scheme 2023. Collection method: clinical testing. Allele origin: germline.
Comment: The p.T867I variant (also known as c.2600C>T), located in coding exon 15 of the APC gene, results from a C to T substitution at nucleotide position 2600. The threonine at codon 867 is replaced by isoleucine, an amino acid with similar properties. This amino acid position is not well conserved in available vertebrate species. In addition, in silico predictors for this gene do not accurately predict pathogenicity. Since supporting evidence is limited at this time, the clinical significance of this alteration remains unclear.

Labcorp Genetics (formerly Invitae), Labcorp
Classification: Uncertain significance for Familial adenomatous polyposis 1. Last evaluated: 2024-11-26. Review status: criteria provided, single submitter. Criteria: Invitae Variant Classification Sherloc (09022015). Collection method: clinical testing. Allele origin: germline.
Comment: This sequence change replaces threonine, which is neutral and polar, with isoleucine, which is neutral and non-polar, at codon 867 of the APC protein (p.Thr867Ile). This variant is present in population databases (rs374813438, gnomAD 0.0009%). This variant has not been reported in the literature in individuals affected with APC-related conditions. ClinVar contains an entry for this variant (Variation ID: 821554). Invitae Evidence Modeling of protein sequence and biophysical properties (such as structural, functional, and spatial information, amino acid conservation, physicochemical variation, residue mobility, and thermodynamic stability) indicates that this missense variant is not expected to disrupt APC protein function with a negative predictive value of 95%. In summary, the available evidence is currently insufficient to determine the role of this variant in disease. Therefore, it has been classified as a Variant of Uncertain Significance.

Blueprint Genetics
Classification: Uncertain significance. Last evaluated: 2021-04-08. Review status: criteria provided, single submitter. Criteria: ACMG Guidelines, 2015. Collection method: clinical testing. Allele origin: germline.

NM_000038.6(APC):c.2600C>T (p.Thr867Ile)

Gene: APC (APC regulator of Wnt signaling pathway; plus strand). Cytogenetic location: 5q22.2.
Variant type: single nucleotide variant.
Coding change: c.2600C>T on transcript NM_000038.6 (MANE Select); coding-DNA position 2600, C replaced by T.
Protein change: p.Thr867Ile; replaces threonine 867 with isoleucine.
Molecular consequence: missense variant.
Genome position (GRCh38, 1-based): chr5:112,838,194, C>T. VCF-style: chr5-112838194-C-T. GRCh37 (hg19) VCF-style: chr5-112173891-C-T.
Other names: c.2600C>T, p.Thr867Ile (NM_001127510.3, NM_001354895.2); c.2546C>T, p.Thr849Ile (NM_001127511.3); c.2654C>T, p.Thr885Ile (NM_001354896.2); c.2630C>T, p.Thr877Ile (NM_001354897.2); c.2525C>T, p.Thr842Ile (NM_001354898.2); c.2516C>T, p.Thr839Ile (NM_001354899.2); c.2477C>T, p.Thr826Ile (NM_001354900.2); c.2423C>T, p.Thr808Ile (NM_001354901.2); and 5 more; short protein forms T707I, T808I, T877I, T584I, T766I, T839I, T842I, T776I.
Identifiers: ClinVar variation 821554 (VCV000821554.9), dbSNP rs374813438, ClinGen allele CA032756.